The following is an entry in ClinVar:

ClinVar aggregate classification (germline): Uncertain significance. Review status: criteria provided, multiple submitters, no conflicts (2 of 4 stars). 2 submissions from 2 submitters: Uncertain significance (2). Last evaluated 2024-10-24.

Conditions:
Rubinstein-Taybi syndrome (RSTS). Identifiers: Orphanet 783, MedGen C0035934, MONDO:0019188.

Submissions (2):

GeneDx
Classification: Uncertain significance. Last evaluated: 2024-10-24. Review status: criteria provided, single submitter. Criteria: GeneDx Variant Classification Process June 2021. Collection method: clinical testing. Allele origin: germline. Affected: yes.
Comment: Not observed at significant frequency in large population cohorts (gnomAD); In silico analysis supports that this missense variant has a deleterious effect on protein structure/function; Has not been previously published as pathogenic or benign to our knowledge

Labcorp Genetics (formerly Invitae), Labcorp
Classification: Uncertain significance for Rubinstein-Taybi syndrome. Last evaluated: 2023-10-05. Review status: criteria provided, single submitter. Criteria: Invitae Variant Classification Sherloc (09022015). Collection method: clinical testing. Allele origin: germline.
Comment: This sequence change replaces proline, which is neutral and non-polar, with alanine, which is neutral and non-polar, at codon 528 of the CREBBP protein (p.Pro528Ala). This variant is not present in population databases (gnomAD no frequency). This variant has not been reported in the literature in individuals affected with CREBBP-related conditions. Advanced modeling of protein sequence and biophysical properties (such as structural, functional, and spatial information, amino acid conservation, physicochemical variation, residue mobility, and thermodynamic stability) performed at Invitae indicates that this missense variant is not expected to disrupt CREBBP protein function. In summary, the available evidence is currently insufficient to determine the role of this variant in disease. Therefore, it has been classified as a Variant of Uncertain Significance.

NM_004380.3(CREBBP):c.1582C>G (p.Pro528Ala)

Gene: CREBBP (CREB binding lysine acetyltransferase; minus strand). Cytogenetic location: 16p13.3.
Variant type: single nucleotide variant.
Coding change: c.1582C>G on transcript NM_004380.3 (MANE Select); coding-DNA position 1582, C replaced by G.
Protein change: p.Pro528Ala; replaces proline 528 with alanine.
Molecular consequence: missense variant.
Genome position (GRCh38, 1-based): chr16:3,781,298, G>C on the plus strand (C>G on the coding strand, the complement: CREBBP is on the minus strand). VCF-style: chr16-3781298-G-C. GRCh37 (hg19) VCF-style: chr16-3831299-G-C.
Other names: c.1468C>G, p.Pro490Ala (NM_001079846.1); c.1582C>G (NM_004380.2); short protein forms P490A, P528A.
Identifiers: ClinVar variation 3000259 (VCV003000259.4), dbSNP rs2141248338, ClinGen allele CA394556969.